The following is an entry in ClinVar:

ClinVar aggregate classification (germline): Conflicting classifications of pathogenicity. Review status: criteria provided, conflicting classifications (1 of 4 stars). 3 submissions from 3 submitters: Uncertain significance (2); Likely benign (1). Last evaluated 2026-08-27.

Conditions:
Cardiovascular phenotype. Identifiers: MedGen CN230736.
Dilated cardiomyopathy 1KK (CMD1KK). Identifiers: Orphanet 154, Orphanet 75249, MedGen C3714995, MONDO:0014100, OMIM 615248.

Allele frequency attached by ClinVar (database versions not stated): gnomAD exomes below 0.00001; gnomAD 0.00001; TOPMed 0.00002.
gnomAD v4.1: 10 of 1,614,098 alleles (0.00062%); highest among the groups gnomAD compares: African/African-American, 0.0093%; no homozygotes.

Submissions (3):

GeneDx
Classification: Uncertain significance. Last evaluated: 2026-08-27. Review status: criteria provided, single submitter. Criteria: GeneDx Variant Classification Process June 2021. Collection method: clinical testing. Allele origin: germline.
Comment: Has not been previously published as pathogenic or benign to our knowledge; Not observed at significant frequency in large population cohorts (gnomAD); In silico analysis supports that this missense variant does not alter protein structure/function

Ambry Genetics
Classification: Likely benign for Cardiovascular phenotype. Last evaluated: 2026-08-03. Review status: criteria provided, single submitter. Criteria: Ambry Variant Classification Scheme 2023. Collection method: clinical testing. Allele origin: germline.

Labcorp Genetics (formerly Invitae), Labcorp
Classification: Uncertain significance for Dilated cardiomyopathy 1KK. Last evaluated: 2022-10-25. Review status: criteria provided, single submitter. Criteria: Invitae Variant Classification Sherloc (09022015). Collection method: clinical testing. Allele origin: germline.
Comment: This sequence change replaces alanine, which is neutral and non-polar, with serine, which is neutral and polar, at codon 35 of the MYPN protein (p.Ala35Ser). This variant is present in population databases (no rsID available, gnomAD 0.007%). This variant has not been reported in the literature in individuals affected with MYPN-related conditions. ClinVar contains an entry for this variant (Variation ID: 578099). Algorithms developed to predict the effect of missense changes on protein structure and function (SIFT, PolyPhen-2, Align-GVGD) all suggest that this variant is likely to be tolerated. In summary, the available evidence is currently insufficient to determine the role of this variant in disease. Therefore, it has been classified as a Variant of Uncertain Significance.

NM_032578.4(MYPN):c.103G>T (p.Ala35Ser)

Gene: MYPN (myopalladin; plus strand). Cytogenetic location: 10q21.3.
Variant type: single nucleotide variant.
Coding change: c.103G>T on transcript NM_032578.4 (MANE Select); coding-DNA position 103, G replaced by T.
Protein change: p.Ala35Ser; replaces alanine 35 with serine.
Molecular consequence: missense variant. On other transcripts: 5 prime UTR variant (1), non-coding transcript variant (1).
Genome position (GRCh38, 1-based): chr10:68,121,541, G>T. VCF-style: chr10-68121541-G-T. GRCh37 (hg19) VCF-style: chr10-69881298-G-T.
Other names: c.103G>T, p.Ala35Ser (NM_001256267.2); c.-1020G>T (NM_001256268.2); c.103G>T (NM_032578.2); short protein forms A35S.
Identifiers: ClinVar variation 578099 (VCV000578099.6), dbSNP rs1287546364, ClinGen allele CA377103616.